The following is an entry in ClinVar:

ClinVar aggregate classification (germline): Uncertain significance (1 of 4 stars; one submission).

Conditions:
Capillary malformation-arteriovenous malformation syndrome. Also called: Capillary malformation-arteriovenous malformation. Identifiers: Orphanet 137667, MedGen C1842180, MONDO:0012016.

Submission:

Labcorp Genetics (formerly Invitae), Labcorp
Classification: Uncertain significance for Capillary malformation-arteriovenous malformation syndrome. Last evaluated: 2024-03-11. Review status: criteria provided, single submitter. Criteria: Invitae Variant Classification Sherloc (09022015). Collection method: clinical testing. Allele origin: germline.
Comment: This sequence change replaces valine, which is neutral and non-polar, with glycine, which is neutral and non-polar, at codon 14 of the RASA1 protein (p.Val14Gly). This variant is not present in population databases (gnomAD no frequency). This variant has not been reported in the literature in individuals affected with RASA1-related conditions. Algorithms developed to predict the effect of missense changes on protein structure and function output the following: SIFT: "Not Available"; PolyPhen-2: "Benign"; Align-GVGD: "Not Available". The glycine amino acid residue is found in multiple mammalian species, which suggests that this missense change does not adversely affect protein function. In summary, the available evidence is currently insufficient to determine the role of this variant in disease. Therefore, it has been classified as a Variant of Uncertain Significance.

NM_002890.3(RASA1):c.41T>G (p.Val14Gly)

Gene: RASA1 (RAS p21 protein activator 1; plus strand). Cytogenetic location: 5q14.3.
Variant type: single nucleotide variant.
Coding change: c.41T>G on transcript NM_002890.3 (MANE Select); coding-DNA position 41, T replaced by G.
Protein change: p.Val14Gly; replaces valine 14 with glycine.
Molecular consequence: missense variant.
Genome position (GRCh38, 1-based): chr5:87,268,492, T>G. VCF-style: chr5-87268492-T-G. GRCh37 (hg19) VCF-style: chr5-86564309-T-G.
Other names: short protein forms V14G.
Identifiers: ClinVar variation 3645418 (VCV003645418.2).